The following is an entry in ClinVar:

ClinVar aggregate classification (germline): Uncertain significance. Review status: criteria provided, multiple submitters, no conflicts (2 of 4 stars). 3 submissions from 3 submitters: Uncertain significance (3). Last evaluated 2024-01-31.

Conditions:
Xanthinuria type II. Also called: Xanthine dehydrogenase and aldehyde oxidase combined deficiency of; XDH and AOX dual deficiency. Identifiers: Orphanet 3467, Orphanet 93602, MedGen C1863688, MONDO:0011346, OMIM 603592.
Hereditary xanthinuria type 1 (XAN1). Identifiers: Orphanet 3467, Orphanet 93601, MedGen C0268118, MONDO:0010209, OMIM 278300.
Inborn genetic diseases. Identifiers: MedGen C0950123, MeSH D030342.

Allele frequency attached by ClinVar (database versions not stated): gnomAD exomes 0.00002 and 0.00009; gnomAD 0.00003; TOPMed 0.00004; ExAC 0.00011.
gnomAD v4.1: 28 of 1,614,074 alleles (0.0017%); highest among the groups gnomAD compares: East Asian, 0.058%; no homozygotes.

Submissions (3):

Ambry Genetics
Classification: Uncertain significance for Inborn genetic diseases. Last evaluated: 2024-01-31. Review status: criteria provided, single submitter. Criteria: Ambry Variant Classification Scheme 2023. Collection method: clinical testing. Allele origin: germline.

Fulgent Genetics
Classification: Uncertain significance for Hereditary xanthinuria type 1. Last evaluated: 2024-01-14. Review status: criteria provided, single submitter. Criteria: ACMG Guidelines, 2015. Collection method: clinical testing. Allele origin: germline.

Labcorp Genetics (formerly Invitae), Labcorp
Classification: Uncertain significance for Xanthinuria type II. Last evaluated: 2022-06-18. Review status: criteria provided, single submitter. Criteria: Invitae Variant Classification Sherloc (09022015). Collection method: clinical testing. Allele origin: germline.
Comment: In summary, the available evidence is currently insufficient to determine the role of this variant in disease. Therefore, it has been classified as a Variant of Uncertain Significance. Algorithms developed to predict the effect of missense changes on protein structure and function are either unavailable or do not agree on the potential impact of this missense change (SIFT: "Deleterious"; PolyPhen-2: "Probably Damaging"; Align-GVGD: "Class C0"). ClinVar contains an entry for this variant (Variation ID: 1008751). This variant has not been reported in the literature in individuals affected with XDH-related conditions. This variant is present in population databases (rs766718491, gnomAD 0.1%). This sequence change replaces threonine, which is neutral and polar, with asparagine, which is neutral and polar, at codon 162 of the XDH protein (p.Thr162Asn).

NM_000379.4(XDH):c.485C>A (p.Thr162Asn)

Gene: XDH (xanthine dehydrogenase; minus strand). Cytogenetic location: 2p23.1.
Variant type: single nucleotide variant.
Coding change: c.485C>A on transcript NM_000379.4 (MANE Select); coding-DNA position 485, C replaced by A.
Protein change: p.Thr162Asn; replaces threonine 162 with asparagine.
Molecular consequence: missense variant.
Genome position (GRCh38, 1-based): chr2:31,397,678, G>T on the plus strand (C>A on the coding strand, the complement: XDH is on the minus strand). VCF-style: chr2-31397678-G-T. GRCh37 (hg19) VCF-style: chr2-31620544-G-T.
Other names: c.485C>A (NM_000379.3); short protein forms T162N.
Identifiers: ClinVar variation 1008751 (VCV001008751.9), dbSNP rs766718491, ClinGen allele CA1599617.